The following is an entry in ClinVar:

NM_001130823.3(DNMT1):c.3343C>G (p.Pro1115Ala)

Gene: DNMT1 (DNA methyltransferase 1; minus strand). Cytogenetic location: 19p13.2.
Variant type: single nucleotide variant.
Coding change: c.3343C>G on transcript NM_001130823.3 (MANE Select); coding-DNA position 3343, C replaced by G.
Protein change: p.Pro1115Ala; replaces proline 1115 with alanine.
Molecular consequence: missense variant.
Genome position (GRCh38, 1-based): chr19:10,141,156, G>C on the plus strand (C>G on the coding strand, the complement: DNMT1 is on the minus strand). VCF-style: chr19-10141156-G-C. GRCh37 (hg19) VCF-style: chr19-10251832-G-C.
Other names: c.3295C>G, p.Pro1099Ala (NM_001318730.2, NM_001379.4); c.2980C>G, p.Pro994Ala (NM_001318731.2); short protein forms P1099A, P1115A, P994A.
Identifiers: ClinVar variation 1313141 (VCV001313141.2), dbSNP rs755865204, ClinGen allele CA403974322.

ClinVar aggregate classification (germline): Uncertain significance (1 of 4 stars; one submission).

Submission:

GeneDx
Classification: Uncertain significance. Last evaluated: 2021-08-27. Review status: criteria provided, single submitter. Criteria: GeneDx Variant Classification Process June 2021. Collection method: clinical testing. Allele origin: germline. Affected: yes.
Comment: Not observed in large population cohorts (Lek et al., 2016); In silico analysis supports that this missense variant has a deleterious effect on protein structure/function; Has not been previously published as pathogenic or benign to our knowledge; This variant is associated with the following publications: (PMID: 25942534, 25678562)